The following is an entry in ClinVar:

ClinVar aggregate classification (germline): Uncertain significance (1 of 4 stars; one submission).

Submission:

Ambry Genetics
Classification: Uncertain significance. Last evaluated: 2026-06-08. Review status: criteria provided, single submitter. Criteria: Ambry Variant Classification Scheme 2023. Collection method: clinical testing. Allele origin: germline.
Comment: The p.P202L variant (also known as c.605C>T), located in coding exon 1 of the MLH3 gene, results from a C to T substitution at nucleotide position 605. The proline at codon 202 is replaced by leucine, an amino acid with similar properties. This amino acid position is conserved. In addition, the in silico prediction for this alteration is inconclusive. Based on the available evidence, the clinical significance of this variant remains unclear.

NM_001040108.2(MLH3):c.605C>T (p.Pro202Leu)

Gene: MLH3 (mutL homolog 3; minus strand). Cytogenetic location: 14q24.3.
Variant type: single nucleotide variant.
Coding change: c.605C>T on transcript NM_001040108.2 (MANE Select); coding-DNA position 605, C replaced by T.
Protein change: p.Pro202Leu; replaces proline 202 with leucine.
Molecular consequence: missense variant.
Genome position (GRCh38, 1-based): chr14:75,049,051, G>A on the plus strand (C>T on the coding strand, the complement: MLH3 is on the minus strand). VCF-style: chr14-75049051-G-A. GRCh37 (hg19) VCF-style: chr14-75515754-G-A.
Other names: c.605C>T, p.Pro202Leu (NM_014381.3); short protein forms P202L.
Identifiers: ClinVar variation 4860231 (VCV004860231.1).